The following is an entry in ClinVar:

NM_024675.4(PALB2):c.2662A>G (p.Ile888Val)

Gene: PALB2 (partner and localizer of BRCA2; minus strand). Cytogenetic location: 16p12.2.
Variant type: single nucleotide variant.
Coding change: c.2662A>G on transcript NM_024675.4 (MANE Select); coding-DNA position 2662, A replaced by G.
Protein change: p.Ile888Val; replaces isoleucine 888 with valine.
Molecular consequence: missense variant.
Genome position (GRCh38, 1-based): chr16:23,626,322, T>C on the plus strand (A>G on the coding strand, the complement: PALB2 is on the minus strand). VCF-style: chr16-23626322-T-C. GRCh37 (hg19) VCF-style: chr16-23637643-T-C.
Other names: short protein forms I888V.
Identifiers: ClinVar variation 801239 (VCV000801239.10), dbSNP rs786202468, ClinGen allele CA395122083.

ClinVar aggregate classification (germline): Uncertain significance. Review status: criteria provided, multiple submitters, no conflicts (2 of 4 stars). 4 submissions from 4 submitters: Uncertain significance (4). Last evaluated 2023-03-16.

Conditions:
Familial cancer of breast. Also called: hereditary breast carcinoma; BREAST CANCER, FAMILIAL; Hereditary breast cancer. Identifiers: Orphanet 227535, MedGen C0346153, MONDO:0016419, OMIM 114480. Disease mechanism: loss of function.
Hereditary cancer-predisposing syndrome. Also called: Tumor predisposition; Neoplastic Syndromes, Hereditary; Hereditary Cancer Syndrome; Hereditary neoplastic syndrome. Identifiers: Orphanet 140162, MedGen C0027672, MeSH D009386, MONDO:0015356.

Submissions (4):

Color Diagnostics, LLC DBA Color Health
Classification: Uncertain significance for Hereditary cancer-predisposing syndrome. Last evaluated: 2023-03-16. Review status: criteria provided, single submitter. Criteria: ACMG Guidelines, 2015. Collection method: clinical testing. Allele origin: germline.
Comment: This missense variant replaces isoleucine with valine at codon 888 of the PALB2 protein. Computational prediction suggests that this variant may not impact protein structure and function (internally defined REVEL score threshold <= 0.5, PMID: 27666373). To our knowledge, functional studies have not been reported for this variant. This variant has been reported in an individual affected with breast cancer and in a breast cancer case-control meta-analysis in 1/60466 cases and 0/53461 unaffected individuals (PMID: 28779002, 33471991; Leiden Open Variation Database DB-ID PALB2_010859). This variant has not been identified in the general population by the Genome Aggregation Database (gnomAD). The available evidence is insufficient to determine the role of this variant in disease conclusively. Therefore, this variant is classified as a Variant of Uncertain Significance.

Labcorp Genetics (formerly Invitae), Labcorp
Classification: Uncertain significance for Familial cancer of breast. Last evaluated: 2022-10-25. Review status: criteria provided, single submitter. Criteria: Invitae Variant Classification Sherloc (09022015). Collection method: clinical testing. Allele origin: germline.
Comment: In summary, the available evidence is currently insufficient to determine the role of this variant in disease. Therefore, it has been classified as a Variant of Uncertain Significance. Advanced modeling of protein sequence and biophysical properties (such as structural, functional, and spatial information, amino acid conservation, physicochemical variation, residue mobility, and thermodynamic stability) performed at Invitae indicates that this missense variant is not expected to disrupt PALB2 protein function. ClinVar contains an entry for this variant (Variation ID: 801239). This variant has not been reported in the literature in individuals affected with PALB2-related conditions. This variant is not present in population databases (gnomAD no frequency). This sequence change replaces isoleucine, which is neutral and non-polar, with valine, which is neutral and non-polar, at codon 888 of the PALB2 protein (p.Ile888Val).

Ambry Genetics
Classification: Uncertain significance for Hereditary cancer-predisposing syndrome. Last evaluated: 2021-08-11. Review status: criteria provided, single submitter. Criteria: Ambry Variant Classification Scheme 2023. Collection method: clinical testing. Allele origin: germline.
Comment: The p.I888V variant (also known as c.2662A>G), located in coding exon 7 of the PALB2 gene, results from an A to G substitution at nucleotide position 2662. The isoleucine at codon 888 is replaced by valine, an amino acid with highly similar properties. This alteration has been reported in at least one subject in a study of 13087 breast cancer cases and 5488 control individuals in the UK (Decker B et al. J Med Genet, 2017 11;54:732-741). This amino acid position is not well conserved in available vertebrate species. In addition, this alteration is predicted to be tolerated by in silico analysis. Since supporting evidence is limited at this time, the clinical significance of this alteration remains unclear.

Quest Diagnostics Nichols Institute San Juan Capistrano
Classification: Uncertain significance. Last evaluated: 2018-12-22. Review status: criteria provided, single submitter. Criteria: Quest Diagnostics criteria. Collection method: clinical testing. Allele origin: germline.

Literature cited by the submitters: PubMed 28779002 (cited by Color Diagnostics, LLC DBA Color Health and Ambry Genetics); PubMed 33471991 (cited by Color Diagnostics, LLC DBA Color Health).